The following is an entry in ClinVar:

ClinVar aggregate classification (germline): Pathogenic/Likely pathogenic. Review status: criteria provided, multiple submitters, no conflicts (2 of 4 stars). 2 submissions from 2 submitters: Pathogenic (1); Likely pathogenic (1). Last evaluated 2024-03-10.

Conditions:
Retinal dystrophy. Also called: Inherited retinal dystrophy. Identifiers: Orphanet 71862, MedGen C0854723, MeSH D058499, MONDO:0019118, HP:0000556.
Cone-rod dystrophy 2 (CORD2). Also called: CONE-ROD RETINAL DYSTROPHY; Cone-rod retinal dystrophy 2. Identifiers: Orphanet 1872, MedGen C3489532, MONDO:0007362, OMIM 120970.

Submissions (2):

3billion
Classification: Pathogenic for Cone-rod dystrophy 2. Last evaluated: 2024-03-10. Review status: criteria provided, single submitter. Criteria: ACMG Guidelines, 2015. Collection method: clinical testing. Allele origin: germline. Affected: yes.
Comment: The variant is not observed in the gnomAD v2.1.1 dataset. Predicted Consequence/Location: Canonical splice site: predicted to alter splicing and result in a loss or disruption of normal protein function. Multiple pathogenic loss-of-function variants are reported downstream of the variant. In silico tools predict the variant to alter splicing and produce an abnormal transcript [Splice AI: 1.00 (spliceogenicity >=0.2, non-spliceogenicity <0.1)]. The variant has been reported to be associated with CRX-related disorder (PMID: 32165824 / 3billion dataset). Therefore, this variant is classified as Pathogenic according to the recommendation of ACMG/AMP guideline.

Dept Of Ophthalmology, Nagoya University
Classification: Likely pathogenic for Retinal dystrophy. Last evaluated: 2023-10-01. Review status: criteria provided, single submitter. Criteria: Submitter's publication. Collection method: research. Allele origin: germline. Affected: yes.

Literature cited by the submitters: PubMed 32165824 (cited by 3billion).

NM_000554.6(CRX):c.101-1G>A

Gene: CRX (cone-rod homeobox; plus strand). Cytogenetic location: 19q13.33.
Variant type: single nucleotide variant.
Coding change: c.101-1G>A on transcript NM_000554.6 (MANE Select); the canonical splice acceptor site of the intron before coding-DNA position 101, G replaced by A.
Molecular consequence: splice acceptor variant.
Genome position (GRCh38, 1-based): chr19:47,836,242, G>A. VCF-style: chr19-47836242-G-A. GRCh37 (hg19) VCF-style: chr19-48339499-G-A.
Identifiers: ClinVar variation 983150 (VCV000983150.3), dbSNP rs1968115710, ClinGen allele CA406629350.